The following is an entry in ClinVar:

ClinVar aggregate classification (germline): Uncertain significance (1 of 4 stars; one submission).

Conditions:
BCORL1-related disorder. Also called: BCORL1-related condition.

Submission:

PreventionGenetics, part of Exact Sciences
Classification: Uncertain significance for BCORL1-related condition. Last evaluated: 2026-09-01. Review status: criteria provided, single submitter. Criteria: ACMG Guidelines, 2015. Collection method: clinical testing. Allele origin: germline.
Comment: The BCORL1 c.1673C>T variant is predicted to result in the amino acid substitution p.Ala558Val. To our knowledge, this variant has not been reported in the literature or in a large population database (gnomAD), indicating this variant is rare. At this time, the clinical significance of this variant is uncertain due to the absence of conclusive functional and genetic evidence.

NM_001379451.1(BCORL1):c.1673C>T (p.Ala558Val)

Gene: BCORL1 (BCL6 corepressor like 1; plus strand). Cytogenetic location: Xq26.1.
Variant type: single nucleotide variant.
Coding change: c.1673C>T on transcript NM_001379451.1 (MANE Select); coding-DNA position 1673, C replaced by T.
Protein change: p.Ala558Val; replaces alanine 558 with valine.
Molecular consequence: missense variant.
Genome position (GRCh38, 1-based): chrX:130,014,445, C>T. VCF-style: chrX-130014445-C-T. GRCh37 (hg19) VCF-style: chrX-129148421-C-T.
Other names: c.1673C>T, p.Ala558Val (NM_001184772.3, NM_001379450.1, NM_001441326.1 and 7 more transcripts); short protein forms A558V.
Identifiers: ClinVar variation 4992018 (VCV004992018.1).